The following is an entry in ClinVar:

ClinVar aggregate classification (germline): Conflicting classifications of pathogenicity. Review status: criteria provided, conflicting classifications (1 of 4 stars). 7 submissions from 7 submitters: Uncertain significance (2); Benign (1); Likely benign (4). Last evaluated 2026-04-29.

Conditions:
Inborn genetic diseases. Identifiers: MedGen C0950123, MeSH D030342.
RETREG1-related disorder. Also called: RETREG1-related condition.
Neuropathy, hereditary sensory and autonomic, type 2B (HSAN2B). Also called: RETREG1-Related HSAN2 (HSAN2B). Identifiers: Orphanet 970, MedGen C2751092, MONDO:0013142, OMIM 613115.

Allele frequency attached by ClinVar (database versions not stated): gnomAD 0.00016 and 0.00033; ExAC 0.00020; gnomAD exomes 0.00022 and 0.00042; TOPMed 0.00038; 1000 Genomes Project 0.00080; 1000 Genomes Project 30x 0.00094.
gnomAD v4.1: 594 of 1,484,994 alleles (0.04%); highest among the groups gnomAD compares: East Asian, 1.5%; 7 homozygotes.

Submissions (7):

PreventionGenetics, part of Exact Sciences
Classification: Benign for RETREG1-related condition. Last evaluated: 2026-04-29. Review status: criteria provided, single submitter. Criteria: ACMG Guidelines, 2015. Collection method: clinical testing. Allele origin: germline.
Comment: This variant is classified as benign based on ACMG/AMP sequence variant interpretation guidelines (Richards et al. 2015 PMID: 25741868, with internal and published modifications).

Labcorp Genetics (formerly Invitae), Labcorp
Classification: Likely benign. Last evaluated: 2026-01-06. Review status: criteria provided, single submitter. Criteria: Invitae Variant Classification Sherloc (09022015). Collection method: clinical testing. Allele origin: germline.

Women's Health and Genetics/Laboratory Corporation of America, LabCorp
Classification: Likely benign. Last evaluated: 2025-11-19. Review status: criteria provided, single submitter. Criteria: LabCorp Variant Classification Summary - May 2015. Collection method: clinical testing. Allele origin: germline.
Comment: Variant summary: RETREG1 c.86C>T (p.Pro29Leu) results in a non-conservative amino acid change in the encoded protein sequence. Algorithms developed to predict the effect of missense changes on protein structure and function are either unavailable or do not agree on the potential impact of this missense change. The variant allele was found at a frequency of 0.00018 in 116514 control chromosomes (gnomAD). The v4.1 database includes multiple homozygous controls, suggesting the variant is a benign polymorphism. To our knowledge, no occurrence of c.86C>T in individuals affected with RETREG1-related conditions and no experimental evidence demonstrating its impact on protein function have been reported. ClinVar contains an entry for this variant (Variation ID: 538126). Based on the evidence outlined above, the variant was classified as likely benign.

GeneDx
Classification: Likely benign. Last evaluated: 2020-01-06. Review status: criteria provided, single submitter. Criteria: GeneDx Variant Classification Process June 2021. Collection method: clinical testing. Allele origin: germline. Affected: yes.
Comment: Has not been previously published as pathogenic or benign to our knowledge

Ambry Genetics
Classification: Likely benign for Inborn genetic diseases. Last evaluated: 2019-12-16. Review status: criteria provided, single submitter. Criteria: Ambry Variant Classification Scheme 2023. Collection method: clinical testing. Allele origin: germline.

ARUP Laboratories, Molecular Genetics and Genomics, ARUP Laboratories
Classification: Uncertain significance. Last evaluated: 2018-04-25. Review status: criteria provided, single submitter. Criteria: ARUP Molecular Germline Variant Investigation Process. Collection method: clinical testing. Allele origin: germline.
Comment: The FAM134B (aka RETREG1) c.86C>T; p.Pro29Leu variant (rs528532732), to our knowledge, is not reported in the medical literature, gene specific variation databases, nor has it been previously identified by our laboratory. This variant is listed in the genome Aggregation Database (gnomAD) with an East Asian population frequency of 0.3% (identified on 15 out of 5840 chromosomes). The proline at position 29 is weakly conserved, considering 11 species, and computational analyses of the effects of the p.Pro29Leu variant on protein structure and function do not predict a deleterious effect (SIFT: tolerated, PolyPhen-2: benign). Based on the available information, the clinical significance of the p.Pro29Leu variant cannot be determined with certainty.

Illumina Laboratory Services, Illumina
Classification: Uncertain significance for Neuropathy, hereditary sensory and autonomic, type 2B. Last evaluated: 2018-01-13. Review status: criteria provided, single submitter. Criteria: ICSL Variant Classification Criteria 13 December 2019. Collection method: clinical testing. Allele origin: germline.

NM_001034850.3(RETREG1):c.86C>T (p.Pro29Leu)

Genes: RETREG1 (reticulophagy regulator 1; minus strand), RETREG1-AS1 (RETREG1 antisense RNA 1; plus strand), LOC129993734 (ATAC-STARR-seq lymphoblastoid silent region 15947; plus strand). Cytogenetic location: 5p15.1.
Variant type: single nucleotide variant.
Coding change: c.86C>T on transcript NM_001034850.3 (MANE Select); coding-DNA position 86, C replaced by T.
Protein change: p.Pro29Leu; replaces proline 29 with leucine.
Molecular consequence: missense variant.
Genome position (GRCh38, 1-based): chr5:16,616,886, G>A on the plus strand (C>T on the coding strand, the complement: RETREG1 is on the minus strand). VCF-style: chr5-16616886-G-A. GRCh37 (hg19) VCF-style: chr5-16616995-G-A.
Other names: short protein forms P29L.
Identifiers: ClinVar variation 538126 (VCV000538126.28), dbSNP rs528532732, ClinGen allele CA3210546.